The following is an entry in ClinVar:

ClinVar aggregate classification (germline): Pathogenic/Likely pathogenic. Review status: criteria provided, multiple submitters, no conflicts (2 of 4 stars). 2 submissions from 2 submitters: Pathogenic (1); Likely pathogenic (1). Last evaluated 2025-06-11.

Conditions:
O'Donnell-Luria-Rodan syndrome (ODLURO). Also called: KMT2E-Related Neurodevelopmental Disorder. Identifiers: MedGen C5193138, MONDO:0032793, OMIM 618512.

Submissions (2):

Labcorp Genetics (formerly Invitae), Labcorp
Classification: Pathogenic. Last evaluated: 2025-06-11. Review status: criteria provided, single submitter. Criteria: Invitae Variant Classification Sherloc (09022015). Collection method: clinical testing. Allele origin: germline.
Comment: This sequence change is expected to alter the c-terminus of the KMT2E protein (p.Phe1582Tyrfs*286). While this is not anticipated to result in nonsense mediated decay, it is expected to disrupt the last 277 amino acid(s) of the KMT2E protein and extend the protein by 8 additional amino acid residues. This variant is not present in population databases (gnomAD no frequency). This variant has not been reported in the literature in individuals affected with KMT2E-related conditions. This variant disrupts a region of the KMT2E protein in which other variant(s) (p.Pro1683_Pro1694del) have been determined to be pathogenic (internal data). This suggests that this is a clinically significant region of the protein, and that variants that disrupt it are likely to be disease-causing. For these reasons, this variant has been classified as Pathogenic.

Institute of Human Genetics Munich, TUM University Hospital
Classification: Likely pathogenic for O'Donnell-Luria-Rodan syndrome. Last evaluated: 2021-09-24. Review status: criteria provided, single submitter. Criteria: Classification criteria August 2017. Collection method: clinical testing. Allele origin: de novo. Inheritance: Autosomal dominant inheritance. Affected: yes. Observed: 1 variant allele.

NM_182931.3(KMT2E):c.4743_4744del (p.Phe1582fs)

Gene: KMT2E (lysine methyltransferase 2E (inactive); plus strand). Cytogenetic location: 7q22.3.
Variant type: Microsatellite.
Coding change: c.4743_4744del on transcript NM_182931.3 (MANE Select); coding-DNA positions 4743 to 4744, 2 bases deleted (GT; older notation c.4743_4744delGT).
Protein change: p.Phe1582fs; shifts the reading frame from phenylalanine 1582.
Molecular consequence: frameshift variant.
Genome position (GRCh38, 1-based): chr7:105,112,499-105,112,500, GT deleted; deleting any 2 consecutive bases within chr7:105,112,496-105,112,500 gives the same sequence; the c. name uses the placement nearest the transcript's 3' end. VCF-style (leftmost placement, unchanged base first): chr7-105112495-CTG-C. GRCh37 (hg19) VCF-style: chr7-104752942-CTG-C.
Other names: c.4615_4616GT[1], p.Phe1540Tyrfs (NM_001410908.1); c.4743_4744del, p.Phe1582fs (NM_018682.4); short protein forms F1582fs.
Identifiers: ClinVar variation 1803997 (VCV001803997.2), dbSNP rs2536525829, ClinGen allele CA645555401.